The following is an entry in ClinVar:

ClinVar aggregate classification (germline): Uncertain significance (1 of 4 stars; one submission).

Conditions:
Familial cancer of breast. Also called: Hereditary breast cancer; hereditary breast carcinoma; BREAST CANCER, FAMILIAL. Identifiers: Orphanet 227535, MedGen C0346153, MONDO:0016419, OMIM 114480. Disease mechanism: loss of function.

Submission:

Labcorp Genetics (formerly Invitae), Labcorp
Classification: Uncertain significance for Familial cancer of breast. Last evaluated: 2019-07-27. Review status: criteria provided, single submitter. Criteria: Invitae Variant Classification Sherloc (09022015). Collection method: clinical testing. Allele origin: germline.
Comment: Algorithms developed to predict the effect of missense changes on protein structure and function are either unavailable or do not agree on the potential impact of this missense change (SIFT: "Deleterious"; PolyPhen-2: "Probably Damaging"; Align-GVGD: "Class C0"). In summary, the available evidence is currently insufficient to determine the role of this variant in disease. Therefore, it has been classified as a Variant of Uncertain Significance. This variant has not been reported in the literature in individuals with CHEK2-related conditions. This variant is not present in population databases (ExAC no frequency). This sequence change replaces glutamine with histidine at codon 27 of the CHEK2 protein (p.Gln27His). The glutamine residue is moderately conserved and there is a small physicochemical difference between glutamine and histidine.

NM_007194.4(CHEK2):c.81G>C (p.Gln27His)

Gene: CHEK2 (checkpoint kinase 2; minus strand). Cytogenetic location: 22q12.1.
Variant type: single nucleotide variant.
Coding change: c.81G>C on transcript NM_007194.4 (MANE Select); coding-DNA position 81, G replaced by C.
Protein change: p.Gln27His; replaces glutamine 27 with histidine.
Molecular consequence: missense variant.
Genome position (GRCh38, 1-based): chr22:28,734,641, C>G on the plus strand (G>C on the coding strand, the complement: CHEK2 is on the minus strand). VCF-style: chr22-28734641-C-G. GRCh37 (hg19) VCF-style: chr22-29130629-C-G.
Other names: c.81G>C, p.Gln27His (NM_001005735.3, NM_001349956.3, NM_145862.3); c.-697G>C (NM_001257387.3); short protein forms Q27H.
Identifiers: ClinVar variation 949613 (VCV000949613.10), dbSNP rs2054333241, ClinGen allele CA411091634.